The following is an entry in ClinVar:

ClinVar aggregate classification (germline): Uncertain significance (1 of 4 stars; one submission).

Conditions:
Nephronophthisis. Also called: Juvenile Nephronophthisis. Identifiers: Orphanet 655, MedGen C0687120, MONDO:0019005, HP:0000090.

Submission:

Labcorp Genetics (formerly Invitae), Labcorp
Classification: Uncertain significance for Nephronophthisis. Last evaluated: 2024-10-28. Review status: criteria provided, single submitter. Criteria: Invitae Variant Classification Sherloc (09022015). Collection method: clinical testing. Allele origin: germline.
Comment: This sequence change replaces leucine, which is neutral and non-polar, with phenylalanine, which is neutral and non-polar, at codon 844 of the INVS protein (p.Leu844Phe). This variant is not present in population databases (gnomAD no frequency). This variant has not been reported in the literature in individuals affected with INVS-related conditions. ClinVar contains an entry for this variant (Variation ID: 1381066). An algorithm developed to predict the effect of missense changes on protein structure and function (PolyPhen-2) suggests that this variant is likely to be tolerated. In summary, the available evidence is currently insufficient to determine the role of this variant in disease. Therefore, it has been classified as a Variant of Uncertain Significance.

NM_014425.5(INVS):c.2530C>T (p.Leu844Phe)

Gene: INVS (inversin; plus strand). Cytogenetic location: 9q31.1.
Variant type: single nucleotide variant.
Coding change: c.2530C>T on transcript NM_014425.5 (MANE Select); coding-DNA position 2530, C replaced by T.
Protein change: p.Leu844Phe; replaces leucine 844 with phenylalanine.
Molecular consequence: missense variant. On other transcripts: non-coding transcript variant (1).
Genome position (GRCh38, 1-based): chr9:100,292,787, C>T. VCF-style: chr9-100292787-C-T. GRCh37 (hg19) VCF-style: chr9-103055069-C-T.
Other names: c.2242C>T, p.Leu748Phe (NM_001318381.2); c.1552C>T, p.Leu518Phe (NM_001318382.2); short protein forms L518F, L748F, L844F.
Identifiers: ClinVar variation 1381066 (VCV001381066.6), dbSNP rs2118763419, ClinGen allele CA374243820.